The following is an entry in ClinVar:

ClinVar aggregate classification (germline): Conflicting classifications of pathogenicity. Review status: criteria provided, conflicting classifications (1 of 4 stars). 2 submissions from 2 submitters: Uncertain significance (1); Likely benign (1). Last evaluated 2025-05-01.

Allele frequency attached by ClinVar (database versions not stated): 1000 Genomes Project 30x 0.00016; ESP Exome Variant Server 0.00017; ExAC 0.00018; 1000 Genomes Project 0.00020.

Submissions (2):

CeGaT Center for Human Genetics Tuebingen
Classification: Likely benign. Last evaluated: 2025-05-01. Review status: criteria provided, single submitter. Criteria: CeGaT Center For Human Genetics Tuebingen Variant Classification Criteria Version 2. Collection method: clinical testing. Allele origin: germline. Affected: yes. Observed: 2 variant alleles.
Comment: CFHR3: BP4, BS2

Mayo Clinic Laboratories, Mayo Clinic
Classification: Uncertain significance. Last evaluated: 2022-01-27. Review status: criteria provided, single submitter. Criteria: ACMG Guidelines, 2015. Collection method: clinical testing. Allele origin: germline.

NM_021023.6(CFHR3):c.116G>A (p.Arg39His)

Gene: CFHR3 (complement factor H related 3; plus strand). Cytogenetic location: 1q31.3.
Variant type: single nucleotide variant.
Coding change: c.116G>A on transcript NM_021023.6 (MANE Select); coding-DNA position 116, G replaced by A.
Protein change: p.Arg39His; replaces arginine 39 with histidine.
Molecular consequence: missense variant.
Genome position (GRCh38, 1-based): chr1:196,779,219, G>A. VCF-style: chr1-196779219-G-A. GRCh37 (hg19) VCF-style: chr1-196748349-G-A.
Other names: p.Arg39His; c.116G>A, p.Arg39His (NM_001166624.2); short protein forms R39H.
Identifiers: ClinVar variation 1693720 (VCV001693720.17), dbSNP rs377742193, ClinGen allele CA1306068.